The following is an entry in ClinVar:

ClinVar aggregate classification (germline): Uncertain significance. Review status: criteria provided, multiple submitters, no conflicts (2 of 4 stars). 3 submissions from 3 submitters: Uncertain significance (3). Last evaluated 2024-08-09.

Conditions:
Coffin-Siris syndrome 1 (CSS1). Also called: Mental retardation, autosomal dominant 12; ARID1B-Related Coffin-Siris Syndrome. Identifiers: Orphanet 1465, MedGen C3281201, MONDO:0007617, OMIM 135900. Disease mechanism: gain of function.
Inborn genetic diseases. Identifiers: MedGen C0950123, MeSH D030342.

Allele frequency attached by ClinVar (database versions not stated): ExAC 0.00001; TOPMed 0.00001.

Submissions (3):

GeneDx
Classification: Uncertain significance. Last evaluated: 2024-08-09. Review status: criteria provided, single submitter. Criteria: GeneDx Variant Classification Process June 2021. Collection method: clinical testing. Allele origin: germline. Affected: yes.
Comment: Not observed at significant frequency in large population cohorts (gnomAD); In silico analysis indicates that this missense variant does not alter protein structure/function; This variant is associated with the following publications: (PMID: 37500730, 28600779)

Genome-Nilou Lab
Classification: Uncertain significance for Coffin-Siris syndrome 1. Last evaluated: 2021-07-15. Review status: criteria provided, single submitter. Criteria: ACMG Guidelines, 2015. Collection method: clinical testing. Allele origin: germline. Affected: no.

Ambry Genetics
Classification: Uncertain significance for Inborn genetic diseases. Last evaluated: 2017-05-15. Review status: criteria provided, single submitter. Criteria: Ambry Variant Classification Scheme 2023. Collection method: clinical testing. Allele origin: germline.
Comment: The p.M1080L variant (also known as c.3238A>C), located in coding exon 12 of the ARID1B gene, results from an A to C substitution at nucleotide position 3238. The methionine at codon 1080 is replaced by leucine, an amino acid with highly similar properties. This amino acid position is well conserved in available vertebrate species. In addition, the in silico prediction for this alteration is inconclusive. Since supporting evidence is limited at this time, the clinical significance of this alteration remains unclear.

NM_001374828.1(ARID1B):c.3607A>C (p.Met1203Leu)

Gene: ARID1B (AT-rich interaction domain 1B; plus strand). Cytogenetic location: 6q25.3.
Variant type: single nucleotide variant.
Coding change: c.3607A>C on transcript NM_001374828.1 (MANE Select); coding-DNA position 3607, A replaced by C.
Protein change: p.Met1203Leu; replaces methionine 1203 with leucine.
Molecular consequence: missense variant.
Genome position (GRCh38, 1-based): chr6:157,181,071, A>C. VCF-style: chr6-157181071-A-C. GRCh37 (hg19) VCF-style: chr6-157502205-A-C.
Other names: c.3238A>C, p.Met1080Leu (NM_020732.3); c.1108A>C, p.Met370Leu (NM_001363725.2); c.3487A>C, p.Met1163Leu (NM_001371656.1, NM_001374820.1); c.3448A>C, p.Met1150Leu (NM_017519.3); short protein forms M1080L, M370L, M1150L, M1163L, M1203L.
Identifiers: ClinVar variation 589004 (VCV000589004.11), dbSNP rs760633180, ClinGen allele CA4067353.